The following is an entry in ClinVar:

NM_007294.4(BRCA1):c.493C>G (p.Leu165Val)

Gene: BRCA1 (BRCA1 DNA repair associated; minus strand). Cytogenetic location: 17q21.31.
Variant type: single nucleotide variant.
Coding change: c.493C>G on transcript NM_007294.4 (MANE Select); coding-DNA position 493, C replaced by G.
Protein change: p.Leu165Val; replaces leucine 165 with valine.
Molecular consequence: missense variant. On other transcripts: non-coding transcript variant (1).
Genome position (GRCh38, 1-based): chr17:43,099,829, G>C on the plus strand (C>G on the coding strand, the complement: BRCA1 is on the minus strand). VCF-style: chr17-43099829-G-C. GRCh37 (hg19) VCF-style: chr17-41251846-G-C.
Other names: c.280C>G, p.Leu94Val (NM_001407571.1, NM_001407853.1, NM_001407894.1 and 18 more transcripts); c.493C>G, p.Leu165Val (NM_001407581.1, NM_001407582.1, NM_001407583.1 and 97 more transcripts); c.490C>G, p.Leu164Val (NM_001407587.1, NM_001407590.1, NM_001407591.1 and 65 more transcripts); c.484C>G, p.Leu162Val (NM_001407646.1, NM_001407647.1, NM_001408408.1); c.415C>G, p.Leu139Val (NM_001407653.1, NM_001407654.1, NM_001407655.1 and 12 more transcripts); c.412C>G, p.Leu138Val (NM_001407659.1, NM_001407660.1, NM_001407661.1 and 6 more transcripts); c.352C>G, p.Leu118Val (NM_001407692.1, NM_001407694.1, NM_001407695.1 and 61 more transcripts); c.349C>G, p.Leu117Val (NM_001407740.1, NM_001407741.1, NM_001407742.1 and 35 more transcripts); and 4 more; short protein forms L118V, L165V, L138V, L164V, L37V, L162V, L117V, L139V.
Identifiers: ClinVar variation 825313 (VCV000825313.12), dbSNP rs1597887932, ClinGen allele CA10601155.

ClinVar aggregate classification (germline): Uncertain significance. Review status: criteria provided, multiple submitters, no conflicts (2 of 4 stars). 2 submissions from 2 submitters: Uncertain significance (2). Last evaluated 2024-07-23.

Conditions:
Hereditary breast ovarian cancer syndrome. Also called: Hereditary breast and ovarian cancer syndrome; Hereditary breast and ovarian cancer; Hereditary breast and ovarian cancer syndrome (HBOC); Breast and ovarian cancer; Hereditary breast and/or ovarian cancer syndrome; BRCA1- and BRCA2-Associated Hereditary Breast and Ovarian Cancer. Identifiers: Orphanet 145, MedGen C0677776, MeSH D061325, MONDO:0003582. Disease mechanism: loss of function.
Hereditary cancer-predisposing syndrome. Also called: Neoplastic Syndromes, Hereditary; Tumor predisposition; Hereditary neoplastic syndrome; Hereditary Cancer Syndrome. Identifiers: Orphanet 140162, MedGen C0027672, MeSH D009386, MONDO:0015356.

Allele frequency attached by ClinVar (database versions not stated): gnomAD exomes below 0.00001.
gnomAD v4.1: 3 of 1,613,902 alleles (0.00019%); highest among the groups gnomAD compares: Non-Finnish European, 0.00025%; no homozygotes.

Submissions (2):

Ambry Genetics
Classification: Uncertain significance for Hereditary cancer-predisposing syndrome. Last evaluated: 2024-07-23. Review status: criteria provided, single submitter. Criteria: Ambry Variant Classification Scheme 2023. Collection method: clinical testing. Allele origin: germline.
Comment: The p.L165V variant (also known as c.493C>G), located in coding exon 6 of the BRCA1 gene, results from a C to G substitution at nucleotide position 493. The leucine at codon 165 is replaced by valine, an amino acid with highly similar properties. This amino acid position is not well conserved in available vertebrate species. In addition, the in silico prediction for this alteration is inconclusive. Since supporting evidence is limited at this time, the clinical significance of this alteration remains unclear.

Labcorp Genetics (formerly Invitae), Labcorp
Classification: Uncertain significance for Hereditary breast ovarian cancer syndrome. Last evaluated: 2021-08-27. Review status: criteria provided, single submitter. Criteria: Invitae Variant Classification Sherloc (09022015). Collection method: clinical testing. Allele origin: germline.
Comment: This sequence change replaces leucine with valine at codon 165 of the BRCA1 protein (p.Leu165Val). The leucine residue is moderately conserved and there is a small physicochemical difference between leucine and valine. This variant is not present in population databases (ExAC no frequency). This variant has not been reported in the literature in individuals affected with BRCA1-related conditions. ClinVar contains an entry for this variant (Variation ID: 825313). Algorithms developed to predict the effect of missense changes on protein structure and function are either unavailable or do not agree on the potential impact of this missense change (SIFT: "Tolerated"; PolyPhen-2: "Possibly Damaging"; Align-GVGD: "Class C0"). Algorithms developed to predict the effect of sequence changes on RNA splicing suggest that this variant may create or strengthen a splice site. In summary, the available evidence is currently insufficient to determine the role of this variant in disease. Therefore, it has been classified as a Variant of Uncertain Significance.